The following is an entry in ClinVar:

NM_004415.4(DSP):c.6547T>C (p.Tyr2183His)

Gene: DSP (desmoplakin; plus strand). Cytogenetic location: 6p24.3.
Variant type: single nucleotide variant.
Coding change: c.6547T>C on transcript NM_004415.4 (MANE Select); coding-DNA position 6547, T replaced by C.
Protein change: p.Tyr2183His; replaces tyrosine 2183 with histidine.
Molecular consequence: missense variant.
Genome position (GRCh38, 1-based): chr6:7,583,809, T>C. VCF-style: chr6-7583809-T-C. GRCh37 (hg19) VCF-style: chr6-7584042-T-C.
Other names: c.4750T>C, p.Tyr1584His (NM_001008844.3); c.5218T>C, p.Tyr1740His (NM_001319034.2); short protein forms Y1740H, Y2183H, Y1584H.
Identifiers: ClinVar variation 926504 (VCV000926504.14), dbSNP rs763549172, ClinGen allele CA362691031.

ClinVar aggregate classification (germline): Uncertain significance. Review status: criteria provided, multiple submitters, no conflicts (2 of 4 stars). 4 submissions from 4 submitters: Uncertain significance (4). Last evaluated 2025-07-15.

Conditions:
Cardiovascular phenotype. Identifiers: MedGen CN230736.
Arrhythmogenic right ventricular dysplasia 8 (ARVD8). Also called: Arrhythmogenic Right Ventricular Dysplasia/Cardiomyopathy 8; ARRHYTHMOGENIC RIGHT VENTRICULAR DYSPLASIA, FAMILIAL, 8; ARRHYTHMOGENIC RIGHT VENTRICULAR CARDIOMYOPATHY 8. Identifiers: MedGen C1843896, MONDO:0011831, OMIM 607450.
Arrhythmogenic cardiomyopathy with wooly hair and keratoderma. Also called: PALMOPLANTAR KERATODERMA WITH LEFT VENTRICULAR CARDIOMYOPATHY AND WOOLLY HAIR; Carvajal syndrome; Dilated cardiomyopathy with woolly hair and keratoderma; Arrhythmogenic cardiomyopathy with woolly hair and keratoderma. Identifiers: Orphanet 65282, MedGen C1854063, MONDO:0011581, OMIM 605676.
Cardiomyopathy (CMYO). Also called: Cardiomyopathies. Identifiers: Orphanet 167848, MedGen C0878544, MONDO:0004994, HP:0001638. Inheritance: Various modes of inheritance.

gnomAD v4.1: 7 of 1,614,050 alleles (0.00043%); highest among the groups gnomAD compares: Non-Finnish European, 0.00042%; no homozygotes.

Submissions (4):

Labcorp Genetics (formerly Invitae), Labcorp
Classification: Uncertain significance for Arrhythmogenic cardiomyopathy with wooly hair and keratoderma; Arrhythmogenic right ventricular dysplasia 8. Last evaluated: 2025-07-15. Review status: criteria provided, single submitter. Criteria: Invitae Variant Classification Sherloc (09022015). Collection method: clinical testing. Allele origin: germline.
Comment: This sequence change replaces tyrosine, which is neutral and polar, with histidine, which is basic and polar, at codon 2183 of the DSP protein (p.Tyr2183His). This variant is present in population databases (no rsID available, gnomAD 0.002%). This variant has not been reported in the literature in individuals affected with DSP-related conditions. ClinVar contains an entry for this variant (Variation ID: 926504). An algorithm developed to predict the effect of missense changes on protein structure and function (PolyPhen-2) suggests that this variant is likely to be disruptive. In summary, the available evidence is currently insufficient to determine the role of this variant in disease. Therefore, it has been classified as a Variant of Uncertain Significance.

Color Diagnostics, LLC DBA Color Health
Classification: Uncertain significance for Cardiomyopathy. Last evaluated: 2024-03-07. Review status: criteria provided, single submitter. Criteria: ACMG Guidelines, 2015. Collection method: clinical testing. Allele origin: germline.
Comment: This missense variant replaces tyrosine with histidine at codon 2183 of the DSP protein. Computational prediction suggests that this variant may have deleterious impact on protein structure and function (internally defined REVEL score threshold >= 0.7, PMID: 27666373). To our knowledge, functional studies have not been reported for this variant. This variant has not been reported in individuals affected with DSP-related disorders in the literature. This variant has been identified in 2/251492 chromosomes in the general population by the Genome Aggregation Database (gnomAD). The available evidence is insufficient to determine the role of this variant in disease conclusively. Therefore, this variant is classified as a Variant of Uncertain Significance.

All of Us Research Program, National Institutes of Health
Classification: Uncertain significance for Arrhythmogenic cardiomyopathy with wooly hair and keratoderma. Last evaluated: 2024-01-03. Review status: criteria provided, single submitter. Criteria: ACMG Guidelines, 2015. Collection method: clinical testing. Allele origin: germline. Inheritance: Autosomal dominant inheritance. Observed: 4 variant alleles, 4 heterozygotes.
Comment: This missense variant replaces tyrosine with histidine at codon 2183 of the DSP protein. Computational prediction suggests that this variant may have deleterious impact on protein structure and function (internally defined REVEL score threshold >= 0.7, PMID: 27666373). To our knowledge, functional studies have not been reported for this variant. This variant has not been reported in individuals affected with DSP-related disorders in the literature. This variant has been identified in 2/251492 chromosomes in the general population by the Genome Aggregation Database (gnomAD). The available evidence is insufficient to determine the role of this variant in disease conclusively. Therefore, this variant is classified as a Variant of Uncertain Significance.

This study involves interpretation of variants in research participants for the purpose of population health screening. Participant phenotype was not available at the time of variant classification. Additional details can be found in publication PMID: 35346344, PMCID: PMC8962531

Ambry Genetics
Classification: Uncertain significance for Cardiovascular phenotype. Last evaluated: 2023-06-22. Review status: criteria provided, single submitter. Criteria: Ambry Variant Classification Scheme 2023. Collection method: clinical testing. Allele origin: germline.
Comment: The p.Y2183H variant (also known as c.6547T>C), located in coding exon 24 of the DSP gene, results from a T to C substitution at nucleotide position 6547. The tyrosine at codon 2183 is replaced by histidine, an amino acid with similar properties. This amino acid position is conserved. In addition, this alteration is predicted to be deleterious by in silico analysis. Since supporting evidence is limited at this time, the clinical significance of this alteration remains unclear.